The following is an entry in ClinVar:

NM_004006.3(DMD):c.4850C>T (p.Thr1617Ile)

Gene: DMD (dystrophin; minus strand). Cytogenetic location: Xp21.1.
Variant type: single nucleotide variant.
Coding change: c.4850C>T on transcript NM_004006.3 (MANE Select); coding-DNA position 4850, C replaced by T.
Protein change: p.Thr1617Ile; replaces threonine 1617 with isoleucine.
Molecular consequence: missense variant.
Genome position (GRCh38, 1-based): chrX:32,365,195, G>A on the plus strand (C>T on the coding strand, the complement: DMD is on the minus strand). VCF-style: chrX-32365195-G-A. GRCh37 (hg19) VCF-style: chrX-32383312-G-A.
Other names: c.4826C>T, p.Thr1609Ile (NM_000109.4); c.4838C>T, p.Thr1613Ile (NM_004009.3); c.4481C>T, p.Thr1494Ile (NM_004010.3); c.827C>T, p.Thr276Ile (NM_004011.4); c.818C>T, p.Thr273Ile (NM_004012.4); short protein forms T1494I, T1609I, T1613I, T1617I, T273I, T276I.
Identifiers: ClinVar variation 3626245 (VCV003626245.2).
Genomic context (GRCh38, chrX:32,365,195, plus strand): 5'-GCCTCTCCTACCTCTGTGATACTCTTCAGGTGCACCTTCTGTTTCTCAATCTCTTTTTGA[G>A]TAGCCTGTGAAAAGGAGAGCATTGACCTTCAAGTAATGTCTTGTAGTCTTAAGATTTAAT-3'
Protein context (NP_003997.2, residues 1607-1627): LDSEVAWGKA[Thr1617Ile]QKEIEKQKVH

ClinVar aggregate classification (germline): Uncertain significance (1 of 4 stars; one submission).

Conditions:
Duchenne muscular dystrophy (DMD). Also called: MUSCULAR DYSTROPHY, PSEUDOHYPERTROPHIC PROGRESSIVE, DUCHENNE TYPE; Duchenne Muscular Dystrophy (DMD). Identifiers: Orphanet 98896, MedGen C0013264, MONDO:0010679, OMIM 310200.

Submission:

Labcorp Genetics (formerly Invitae), Labcorp
Classification: Uncertain significance for Duchenne muscular dystrophy. Last evaluated: 2024-12-17. Review status: criteria provided, single submitter. Criteria: Invitae Variant Classification Sherloc (09022015). Collection method: clinical testing. Allele origin: germline.
Comment: This sequence change replaces threonine, which is neutral and polar, with isoleucine, which is neutral and non-polar, at codon 1617 of the DMD protein (p.Thr1617Ile). This variant is not present in population databases (gnomAD no frequency). This variant has not been reported in the literature in individuals affected with DMD-related conditions. Invitae Evidence Modeling of protein sequence and biophysical properties (such as structural, functional, and spatial information, amino acid conservation, physicochemical variation, residue mobility, and thermodynamic stability) indicates that this missense variant is not expected to disrupt DMD protein function with a negative predictive value of 95%. In summary, the available evidence is currently insufficient to determine the role of this variant in disease. Therefore, it has been classified as a Variant of Uncertain Significance.